The following is an entry in ClinVar:

NM_000232.5(SGCB):c.690A>C (p.Glu230Asp)

Gene: SGCB (sarcoglycan beta; minus strand). Cytogenetic location: 4q12.
Variant type: single nucleotide variant.
Coding change: c.690A>C on transcript NM_000232.5 (MANE Select); coding-DNA position 690, A replaced by C.
Protein change: p.Glu230Asp; replaces glutamic acid 230 with aspartic acid.
Molecular consequence: missense variant.
Genome position (GRCh38, 1-based): chr4:52,028,031, T>G on the plus strand (A>C on the coding strand, the complement: SGCB is on the minus strand). VCF-style: chr4-52028031-T-G. GRCh37 (hg19) VCF-style: chr4-52894197-T-G.
Other names: short protein forms E230D.
Identifiers: ClinVar variation 2843913 (VCV002843913.3), dbSNP rs2475219969, ClinGen allele CA356876006.
Genomic context (GRCh38, chr4:52,028,031, plus strand): 5'-CTTTAACTCCATATTACCACCCATGTGAAATTCAATGGTTTTGCCCATAATGAATACACC[T>G]TCATTTCCACGCACAATAGCACGCCCATCAACTTTTATATTTAAATCACTGGTAGCATTG-3'
Protein context (NP_000223.1, residues 220-240): VDGRAIVRGN[Glu230Asp]GVFIMGKTIE

ClinVar aggregate classification (germline): Uncertain significance (1 of 4 stars; one submission).

Conditions:
Autosomal recessive limb-girdle muscular dystrophy type 2E (LGMDR4). Also called: MUSCULAR DYSTROPHY, LIMB-GIRDLE, AUTOSOMAL RECESSIVE 4. Identifiers: Orphanet 119, MedGen C1858593, MONDO:0011423, OMIM 604286. Disease mechanism: Affects gamma-sarcoglycan and also disrupts the integrity of the entire sarcoglycan complex..

Submission:

Labcorp Genetics (formerly Invitae), Labcorp
Classification: Uncertain significance for Autosomal recessive limb-girdle muscular dystrophy type 2E. Last evaluated: 2023-04-18. Review status: criteria provided, single submitter. Criteria: Invitae Variant Classification Sherloc (09022015). Collection method: clinical testing. Allele origin: germline.
Comment: This missense change has been observed in individual(s) with clinical features of limb-girdle muscular dystrophy (Invitae). In at least one individual the data is consistent with being in trans (on the opposite chromosome) from a pathogenic variant. Advanced modeling of protein sequence and biophysical properties (such as structural, functional, and spatial information, amino acid conservation, physicochemical variation, residue mobility, and thermodynamic stability) performed at Invitae indicates that this missense variant is not expected to disrupt SGCB protein function. In summary, the available evidence is currently insufficient to determine the role of this variant in disease. Therefore, it has been classified as a Variant of Uncertain Significance. This variant is not present in population databases (gnomAD no frequency). This sequence change replaces glutamic acid, which is acidic and polar, with aspartic acid, which is acidic and polar, at codon 230 of the SGCB protein (p.Glu230Asp).